The following is an entry in ClinVar:

ClinVar aggregate classification (germline): Uncertain significance (1 of 4 stars; one submission).

gnomAD v4.1: 1 of 1,341,330 alleles (0.000075%); no homozygotes.

Submission:

Labcorp Genetics (formerly Invitae), Labcorp
Classification: Uncertain significance. Last evaluated: 2024-03-09. Review status: criteria provided, single submitter. Criteria: Invitae Variant Classification Sherloc (09022015). Collection method: clinical testing. Allele origin: germline.
Comment: This sequence change replaces alanine, which is neutral and non-polar, with glycine, which is neutral and non-polar, at codon 147 of the ARID1A protein (p.Ala147Gly). This variant is not present in population databases (gnomAD no frequency). This variant has not been reported in the literature in individuals affected with ARID1A-related conditions. Advanced modeling of protein sequence and biophysical properties (such as structural, functional, and spatial information, amino acid conservation, physicochemical variation, residue mobility, and thermodynamic stability) performed at Invitae indicates that this missense variant is not expected to disrupt ARID1A protein function with a negative predictive value of 95%. In summary, the available evidence is currently insufficient to determine the role of this variant in disease. Therefore, it has been classified as a Variant of Uncertain Significance.

NM_006015.6(ARID1A):c.440C>G (p.Ala147Gly)

Gene: ARID1A (AT-rich interaction domain 1A; plus strand). Cytogenetic location: 1p36.11.
Variant type: single nucleotide variant.
Coding change: c.440C>G on transcript NM_006015.6 (MANE Select); coding-DNA position 440, C replaced by G.
Protein change: p.Ala147Gly; replaces alanine 147 with glycine.
Molecular consequence: missense variant.
Genome position (GRCh38, 1-based): chr1:26,696,843, C>G. VCF-style: chr1-26696843-C-G. GRCh37 (hg19) VCF-style: chr1-27023334-C-G.
Other names: c.440C>G, p.Ala147Gly (NM_139135.4); short protein forms A147G.
Identifiers: ClinVar variation 3621278 (VCV003621278.2).